The following is an entry in ClinVar:

ClinVar aggregate classification (germline): Likely pathogenic (1 of 4 stars; one submission).

Allele frequency attached by ClinVar (database versions not stated): gnomAD 0.00002; TOPMed 0.00002; gnomAD exomes 0.00004.
gnomAD v4.1: 51 of 1,411,608 alleles (0.0036%); highest among the groups gnomAD compares: Non-Finnish European, 0.005%; no homozygotes.

Submission:

Labcorp Genetics (formerly Invitae), Labcorp
Classification: Likely pathogenic. Last evaluated: 2024-05-02. Review status: criteria provided, single submitter. Criteria: Invitae Variant Classification Sherloc (09022015). Collection method: clinical testing. Allele origin: germline.
Comment: This sequence change affects a donor splice site in intron 7 of the KIZ gene. It is expected to disrupt RNA splicing. Variants that disrupt the donor or acceptor splice site typically lead to a loss of protein function (PMID: 16199547), and loss-of-function variants in KIZ are known to be pathogenic (PMID: 24680887, 29057815). This variant is present in population databases (no rsID available, gnomAD 0.006%). This variant has not been reported in the literature in individuals affected with KIZ-related conditions. ClinVar contains an entry for this variant (Variation ID: 1916889). Algorithms developed to predict the effect of sequence changes on RNA splicing suggest that this variant may disrupt the consensus splice site. In summary, the currently available evidence indicates that the variant is pathogenic, but additional data are needed to prove that conclusively. Therefore, this variant has been classified as Likely Pathogenic.

Literature cited by the submitters: PubMed 16199547; PubMed 24680887; PubMed 29057815.

NM_018474.6(KIZ):c.1446+1G>A

Genes: KIZ (kizuna centrosomal protein; plus strand), KIZ-AS1 (KIZ antisense RNA 1; minus strand). Cytogenetic location: 20p11.23.
Variant type: single nucleotide variant.
Coding change: c.1446+1G>A on transcript NM_018474.6 (MANE Select); the canonical splice donor site of the intron after coding-DNA position 1446, G replaced by A.
Molecular consequence: splice donor variant. On other transcripts: intron variant (2).
Genome position (GRCh38, 1-based): chr20:21,205,585, G>A. VCF-style: chr20-21205585-G-A. GRCh37 (hg19) VCF-style: chr20-21186223-G-A.
Other names: c.1299+1G>A (NM_001276389.2); c.1104+1G>A (NM_001352436.2); c.1392+55G>A (NM_001352434.2); c.1137+1G>A (NM_001163022.3); c.1083+55G>A (NM_001352435.2); c.1047+1G>A (NM_001163023.3).
Identifiers: ClinVar variation 1916889 (VCV001916889.5), dbSNP rs1205920781, ClinGen allele CA408489425.